The following is an entry in ClinVar:

ClinVar aggregate classification (germline): Likely pathogenic (1 of 4 stars; one submission).

Conditions:
Primary ciliary dyskinesia 3. Identifiers: Orphanet 244, MedGen C1837618, MONDO:0012085, OMIM 608644.

Submission:

Myriad Genetics, Inc.
Classification: Likely pathogenic for Primary ciliary dyskinesia 3. Last evaluated: 2022-01-02. Review status: criteria provided, single submitter. Criteria: Myriad Women's Health Autosomal Recessive and X-Linked Classification Criteria (2021). Collection method: clinical testing. Allele origin: unknown.
Comment: NM_001369.2(DNAH5):c.1530delA(K510Nfs*9) is expected to be pathogenic in the context of DNAH5-related primary ciliary dyskinesia. This variant is predicted to lead to an abnormal or absent protein product due to the creation of a premature termination codon in DNAH5, a gene where loss-of-function variants are known to be pathogenic. Please note: this variant was assessed in the context of healthy population screening.

NM_001369.3(DNAH5):c.1530del (p.Lys510fs)

Gene: DNAH5 (dynein axonemal heavy chain 5; minus strand). Cytogenetic location: 5p15.2.
Variant type: Deletion.
Coding change: c.1530del on transcript NM_001369.3 (MANE Select); coding-DNA position 1530, one base deleted (A; older notation c.1530delA).
Protein change: p.Lys510fs; shifts the reading frame from lysine 510.
Molecular consequence: frameshift variant.
Genome position (GRCh38, 1-based): chr5:13,913,749, T deleted on the plus strand (A on the coding strand, the reverse complement: DNAH5 is on the minus strand); the first of 3 consecutive T bases (chr5:13,913,749-13,913,751); deleting any one gives the same sequence. VCF-style (leftmost placement, unchanged base first): chr5-13913748-AT-A. GRCh37 (hg19) VCF-style: chr5-13913857-AT-A.
Other names: short protein forms K510fs.
Identifiers: ClinVar variation 1726813 (VCV001726813.2), dbSNP rs2547126853, ClinGen allele CA2580072068.